The following is an entry in ClinVar:

ClinVar aggregate classification (germline): Uncertain significance (1 of 4 stars; one submission).

Conditions:
Idiopathic generalized epilepsy. Also called: Generalised epilepsy; EIG. Identifiers: MedGen C0270850, MONDO:0005579, OMIM 600669.

Allele frequency attached by ClinVar (database versions not stated): TOPMed below 0.00001; gnomAD exomes 0.00001.
gnomAD v4.1: 23 of 1,560,188 alleles (0.0015%); highest among the groups gnomAD compares: Non-Finnish European, 0.0016%; no homozygotes.

Submission:

Labcorp Genetics (formerly Invitae), Labcorp
Classification: Uncertain significance for Idiopathic generalized epilepsy. Last evaluated: 2022-06-29. Review status: criteria provided, single submitter. Criteria: Invitae Variant Classification Sherloc (09022015). Collection method: clinical testing. Allele origin: germline.
Comment: In summary, the available evidence is currently insufficient to determine the role of this variant in disease. Therefore, it has been classified as a Variant of Uncertain Significance. Algorithms developed to predict the effect of missense changes on protein structure and function are either unavailable or do not agree on the potential impact of this missense change (SIFT: "Tolerated"; PolyPhen-2: "Probably Damaging"; Align-GVGD: "Class C0"). This variant has not been reported in the literature in individuals affected with GABRD-related conditions. This variant is not present in population databases (gnomAD no frequency). This sequence change replaces aspartic acid, which is acidic and polar, with asparagine, which is neutral and polar, at codon 425 of the GABRD protein (p.Asp425Asn).

NM_000815.5(GABRD):c.1273G>A (p.Asp425Asn)

Gene: GABRD (gamma-aminobutyric acid type A receptor subunit delta; plus strand). Cytogenetic location: 1p36.33.
Variant type: single nucleotide variant.
Coding change: c.1273G>A on transcript NM_000815.5 (MANE Select); coding-DNA position 1273, G replaced by A.
Protein change: p.Asp425Asn; replaces aspartic acid 425 with asparagine.
Molecular consequence: missense variant.
Genome position (GRCh38, 1-based): chr1:2,030,196, G>A. VCF-style: chr1-2030196-G-A. GRCh37 (hg19) VCF-style: chr1-1961635-G-A.
Other names: short protein forms D425N.
Identifiers: ClinVar variation 1384501 (VCV001384501.8), dbSNP rs1380198645, ClinGen allele CA337960960.